The following is an entry in ClinVar:

ClinVar aggregate classification (germline): Uncertain significance (1 of 4 stars; one submission).

Conditions:
Severe combined immunodeficiency due to DCLRE1C deficiency (RS-SCID). Also called: SCID, AUTOSOMAL RECESSIVE, T CELL-NEGATIVE, B CELL-NEGATIVE, NK CELL-POSITIVE, WITH SENSITIVITY TO IONIZING RADIATION. Identifiers: Orphanet 275, MedGen C1865371, MONDO:0011225, OMIM 602450.

Allele frequency attached by ClinVar (database versions not stated): TOPMed below 0.00001.

Submission:

Labcorp Genetics (formerly Invitae), Labcorp
Classification: Uncertain significance for Athabaskan severe combined immunodeficiency. Last evaluated: 2022-02-20. Review status: criteria provided, single submitter. Criteria: Invitae Variant Classification Sherloc (09022015). Collection method: clinical testing. Allele origin: germline.
Comment: This sequence change replaces valine, which is neutral and non-polar, with phenylalanine, which is neutral and non-polar, at codon 653 of the DCLRE1C protein (p.Val653Phe). This variant is not present in population databases (gnomAD no frequency). This variant has not been reported in the literature in individuals affected with DCLRE1C-related conditions. Algorithms developed to predict the effect of missense changes on protein structure and function are either unavailable or do not agree on the potential impact of this missense change (SIFT: "Deleterious"; PolyPhen-2: "Benign"; Align-GVGD: "Class C0"). In summary, the available evidence is currently insufficient to determine the role of this variant in disease. Therefore, it has been classified as a Variant of Uncertain Significance.

NM_001033855.3(DCLRE1C):c.1957G>T (p.Val653Phe)

Gene: DCLRE1C (DNA cross-link repair 1C; minus strand). Cytogenetic location: 10p13.
Variant type: single nucleotide variant.
Coding change: c.1957G>T on transcript NM_001033855.3 (MANE Select); coding-DNA position 1957, G replaced by T.
Protein change: p.Val653Phe; replaces valine 653 with phenylalanine.
Molecular consequence: missense variant. On other transcripts: non-coding transcript variant (3), intron variant (3).
Genome position (GRCh38, 1-based): chr10:14,908,530, C>A on the plus strand (G>T on the coding strand, the complement: DCLRE1C is on the minus strand). VCF-style: chr10-14908530-C-A. GRCh37 (hg19) VCF-style: chr10-14950529-C-A.
Other names: c.1597G>T, p.Val533Phe (NM_001033857.3, NM_001033858.3, NM_001289077.2 and 1 more transcripts); c.1612G>T, p.Val538Phe (NM_001289076.2, NM_001289078.2, NM_022487.4); c.1437+175G>T (NM_001350966.2); c.1782+175G>T (NM_001350965.2); c.1422+175G>T (NM_001350967.2); short protein forms V538F, V653F, V533F.
Identifiers: ClinVar variation 1405878 (VCV001405878.8), dbSNP rs1449940704, ClinGen allele CA376074191.